The following is an entry in ClinVar:

NM_139057.4(ADAMTS17):c.196_206del (p.Arg66fs)

Gene: ADAMTS17 (ADAM metallopeptidase with thrombospondin type 1 motif 17; minus strand). Cytogenetic location: 15q26.3.
Variant type: Deletion.
Coding change: c.196_206del on transcript NM_139057.4 (MANE Select); coding-DNA positions 196 to 206, 11 bases deleted (CGCACGCCCCC).
Protein change: p.Arg66fs; shifts the reading frame from arginine 66.
Molecular consequence: frameshift variant.
Genome position (GRCh38, 1-based): chr15:100,341,283-100,341,293, GGGGGCGTGCG deleted on the plus strand (CGCACGCCCCC on the coding strand, the reverse complement: ADAMTS17 is on the minus strand); deleting any 11 consecutive bases within chr15:100,341,283-100,341,297 gives the same sequence; the c. name uses the placement nearest the transcript's 3' end. VCF-style (leftmost placement, unchanged base first): chr15-100341282-TGGGGGCGTGCG-T. GRCh37 (hg19) VCF-style: chr15-100881487-TGGGGGCGTGCG-T.
Other names: short protein forms R66fs.
Identifiers: ClinVar variation 2810818 (VCV002810818.3), dbSNP rs2548993714, ClinGen allele CA2739269843.

ClinVar aggregate classification (germline): Pathogenic (1 of 4 stars; one submission).

Submission:

Labcorp Genetics (formerly Invitae), Labcorp
Classification: Pathogenic. Last evaluated: 2022-10-30. Review status: criteria provided, single submitter. Criteria: Invitae Variant Classification Sherloc (09022015). Collection method: clinical testing. Allele origin: germline.
Comment: This sequence change creates a premature translational stop signal (p.Arg66Serfs*124) in the ADAMTS17 gene. It is expected to result in an absent or disrupted protein product. Loss-of-function variants in ADAMTS17 are known to be pathogenic (PMID: 19836009, 24940034). For these reasons, this variant has been classified as Pathogenic. This variant has not been reported in the literature in individuals affected with ADAMTS17-related conditions. The frequency data for this variant in the population databases is considered unreliable, as metrics indicate insufficient coverage at this position in the gnomAD database.

Literature cited by the submitters: PubMed 19836009; PubMed 24940034.